The following is an entry in ClinVar:

NM_023936.2(MRPS34):c.637G>A (p.Ala213Thr)

Genes: MRPS34 (mitochondrial ribosomal protein S34; minus strand), LOC130058182 (ATAC-STARR-seq lymphoblastoid active region 10236; plus strand). Cytogenetic location: 16p13.3.
Variant type: single nucleotide variant.
Coding change: c.637G>A on transcript NM_023936.2 (MANE Select); coding-DNA position 637, G replaced by A.
Protein change: p.Ala213Thr; replaces alanine 213 with threonine.
Molecular consequence: missense variant.
Genome position (GRCh38, 1-based): chr16:1,772,241, C>T on the plus strand (G>A on the coding strand, the complement: MRPS34 is on the minus strand). VCF-style: chr16-1772241-C-T. GRCh37 (hg19) VCF-style: chr16-1822242-C-T.
Other names: c.658G>A, p.Ala220Thr (NM_001300900.2); short protein forms A220T, A213T.
Identifiers: ClinVar variation 2003310 (VCV002003310.4), dbSNP rs770473583, ClinGen allele CA276723829.

ClinVar aggregate classification (germline): Uncertain significance (1 of 4 stars; one submission).

Allele frequency attached by ClinVar (database versions not stated): gnomAD exomes 0.00001.
gnomAD v4.1: 11 of 1,608,720 alleles (0.00068%); highest among the groups gnomAD compares: East Asian, 0.0045%; no homozygotes.

Submission:

Labcorp Genetics (formerly Invitae), Labcorp
Classification: Uncertain significance. Last evaluated: 2022-09-27. Review status: criteria provided, single submitter. Criteria: Invitae Variant Classification Sherloc (09022015). Collection method: clinical testing. Allele origin: germline.
Comment: In summary, the available evidence is currently insufficient to determine the role of this variant in disease. Therefore, it has been classified as a Variant of Uncertain Significance. Algorithms developed to predict the effect of missense changes on protein structure and function output the following: SIFT: "Tolerated"; PolyPhen-2: "Benign"; Align-GVGD: "Class C0". The threonine amino acid residue is found in multiple mammalian species, which suggests that this missense change does not adversely affect protein function. This variant has not been reported in the literature in individuals affected with MRPS34-related conditions. This variant is present in population databases (rs770473583, gnomAD 0.006%). This sequence change replaces alanine, which is neutral and non-polar, with threonine, which is neutral and polar, at codon 220 of the MRPS34 protein (p.Ala220Thr).